The following is an entry in ClinVar:

NM_001673.5(ASNS):c.669del (p.Pro224fs)

Genes: ASNS (asparagine synthetase (glutamine-hydrolyzing); minus strand), CZ1P-ASNS (CZ1P-ASNS readthrough; minus strand). Cytogenetic location: 7q21.3.
Variant type: Deletion.
Coding change: c.669del on transcript NM_001673.5 (MANE Select); coding-DNA position 669, one base deleted (T; older notation c.669delT).
Protein change: p.Pro224fs; shifts the reading frame from proline 224.
Molecular consequence: frameshift variant. On other transcripts: non-coding transcript variant (1).
Genome position (GRCh38, 1-based): chr7:97,859,217, A deleted on the plus strand (T on the coding strand, the reverse complement: ASNS is on the minus strand); the first of 3 consecutive A bases (chr7:97,859,217-97,859,219); deleting any one gives the same sequence. VCF-style (leftmost placement, unchanged base first): chr7-97859216-GA-G. GRCh37 (hg19) VCF-style: chr7-97488528-GA-G.
Other names: c.606del, p.Pro203fs (NM_001178075.2); c.420del, p.Pro141fs (NM_001178076.2, NM_001178077.1); c.669del, p.Pro224fs (NM_001352496.2, NM_133436.3, NM_183356.4); short protein forms P141fs, P224fs, P203fs.
Identifiers: ClinVar variation 2012637 (VCV002012637.4), dbSNP rs2484661548, ClinGen allele CA2580077933.

ClinVar aggregate classification (germline): Pathogenic (1 of 4 stars; one submission).

Submission:

Labcorp Genetics (formerly Invitae), Labcorp
Classification: Pathogenic. Last evaluated: 2025-02-10. Review status: criteria provided, single submitter. Criteria: Invitae Variant Classification Sherloc (09022015). Collection method: clinical testing. Allele origin: germline.
Comment: This sequence change creates a premature translational stop signal (p.Pro224Glnfs*5) in the ASNS gene. It is expected to result in an absent or disrupted protein product. Loss-of-function variants in ASNS are known to be pathogenic (PMID: 27422383, 30057589). This variant is not present in population databases (gnomAD no frequency). This variant has not been reported in the literature in individuals affected with ASNS-related conditions. ClinVar contains an entry for this variant (Variation ID: 2012637). For these reasons, this variant has been classified as Pathogenic.

Literature cited by the submitters: PubMed 27422383; PubMed 30057589.